The following is an entry in ClinVar:

NM_004168.4(SDHA):c.1466G>A (p.Gly489Glu)

Gene: SDHA (succinate dehydrogenase complex flavoprotein subunit A; plus strand). Cytogenetic location: 5p15.33.
Variant type: single nucleotide variant.
Coding change: c.1466G>A on transcript NM_004168.4 (MANE Select); coding-DNA position 1466, G replaced by A.
Protein change: p.Gly489Glu; replaces glycine 489 with glutamic acid.
Molecular consequence: missense variant.
Genome position (GRCh38, 1-based): chr5:240,391, G>A. VCF-style: chr5-240391-G-A. GRCh37 (hg19) VCF-style: chr5-240506-G-A.
Other names: c.1466G>A, p.Gly489Glu (NM_001330758.2); c.1322G>A, p.Gly441Glu (NM_001294332.2); short protein forms G441E, G489E.
Identifiers: ClinVar variation 2931208 (VCV002931208.3), dbSNP rs1430552498, ClinGen allele CA359014226.

ClinVar aggregate classification (germline): Uncertain significance (1 of 4 stars; one submission).

Conditions:
Mitochondrial complex II deficiency, nuclear type 1. Also called: SUCCINATE CoQ REDUCTASE DEFICIENCY. Identifiers: Orphanet 3208, MedGen C5700310, MONDO:0100294, OMIM 252011.
Pheochromocytoma/paraganglioma syndrome 5. Also called: Paragangliomas 5; SDHA-Related Hereditary Paraganglioma-Pheochromocytoma Syndrome. Identifiers: Orphanet 29072, MedGen C3279992, MONDO:0013602, OMIM 614165.

Submission:

Labcorp Genetics (formerly Invitae), Labcorp
Classification: Uncertain significance for Pheochromocytoma/paraganglioma syndrome 5; Mitochondrial complex II deficiency, nuclear type 1. Last evaluated: 2023-12-09. Review status: criteria provided, single submitter. Criteria: Invitae Variant Classification Sherloc (09022015). Collection method: clinical testing. Allele origin: germline.
Comment: This sequence change replaces glycine, which is neutral and non-polar, with glutamic acid, which is acidic and polar, at codon 489 of the SDHA protein (p.Gly489Glu). This variant is not present in population databases (gnomAD no frequency). This variant has not been reported in the literature in individuals affected with SDHA-related conditions. Advanced modeling of protein sequence and biophysical properties (such as structural, functional, and spatial information, amino acid conservation, physicochemical variation, residue mobility, and thermodynamic stability) has been performed at Invitae for this missense variant, however the output from this modeling did not meet the statistical confidence thresholds required to predict the impact of this variant on SDHA protein function. In summary, the available evidence is currently insufficient to determine the role of this variant in disease. Therefore, it has been classified as a Variant of Uncertain Significance.